The following is an entry in ClinVar:

NM_002474.3(MYH11):c.4117-13G>A

Genes: NDE1 (nudE neurodevelopment protein 1; plus strand), MYH11 (myosin heavy chain 11; minus strand). Cytogenetic location: 16p13.11.
Variant type: single nucleotide variant.
Coding change: c.4117-13G>A on transcript NM_002474.3 (MANE Select); 13 bases into the intron before coding-DNA position 4117, G replaced by A.
Molecular consequence: intron variant. On other transcripts: 3 prime UTR variant (2).
Genome position (GRCh38, 1-based): chr16:15,724,422, C>T on the plus strand (G>A on the coding strand, the complement: MYH11 is on the minus strand). VCF-style: chr16-15724422-C-T. GRCh37 (hg19) VCF-style: chr16-15818279-C-T.
Other names: c.*171C>T (NM_001143979.2, NM_017668.3); c.4117-13G>A (NM_022844.3); c.4138-13G>A (NM_001040114.2, NM_001040113.2).
Identifiers: ClinVar variation 2919206 (VCV002919206.5), dbSNP rs961116745, ClinGen allele CA278606041.

ClinVar aggregate classification (germline): Likely benign. Review status: criteria provided, multiple submitters, no conflicts (2 of 4 stars). 3 submissions from 3 submitters: Likely benign (3). Last evaluated 2025-12-22.

Conditions:
Familial thoracic aortic aneurysm and aortic dissection (TAAD). Also called: Thoracic aortic aneurysms and dissections. Identifiers: Orphanet 91387, MedGen C4707243, MONDO:0019625.
Aortic aneurysm, familial thoracic 4 (AAT4). Also called: AORTIC ANEURYSM/AORTIC DISSECTION AND PATENT DUCTUS ARTERIOSUS. Identifiers: MedGen C1851504, MONDO:0007568, OMIM 132900.

Allele frequency attached by ClinVar (database versions not stated): gnomAD exomes below 0.00001; gnomAD 0.00001.
gnomAD v4.1: 11 of 1,613,594 alleles (0.00068%); highest among the groups gnomAD compares: East Asian, 0.0022%; no homozygotes.

Submissions (3):

Labcorp Genetics (formerly Invitae), Labcorp
Classification: Likely benign for Aortic aneurysm, familial thoracic 4. Last evaluated: 2025-12-22. Review status: criteria provided, single submitter. Criteria: Invitae Variant Classification Sherloc (09022015). Collection method: clinical testing. Allele origin: germline.

All of Us Research Program, National Institutes of Health
Classification: Likely benign for Familial thoracic aortic aneurysm and aortic dissection. Last evaluated: 2024-06-11. Review status: criteria provided, single submitter. Criteria: ACMG Guidelines, 2015. Collection method: clinical testing. Allele origin: germline. Inheritance: Autosomal dominant inheritance. Observed: 2 variant alleles, 2 heterozygotes.
Comment: This study involves interpretation of variants in research participants for the purpose of population health screening. Participant phenotype was not available at the time of variant classification. Additional details can be found in publication PMID: 35346344, PMCID: PMC8962531

Color Diagnostics, LLC DBA Color Health
Classification: Likely benign for Familial thoracic aortic aneurysm and aortic dissection. Last evaluated: 2024-04-10. Review status: criteria provided, single submitter. Criteria: ACMG Guidelines, 2015. Collection method: clinical testing. Allele origin: germline.